The following is an entry in ClinVar:

NM_005751.5(AKAP9):c.2948T>C (p.Leu983Ser)

Gene: AKAP9 (A-kinase anchoring protein 9; plus strand). Cytogenetic location: 7q21.2.
Variant type: single nucleotide variant.
Coding change: c.2948T>C on transcript NM_005751.5 (MANE Select); coding-DNA position 2948, T replaced by C.
Protein change: p.Leu983Ser; replaces leucine 983 with serine.
Molecular consequence: missense variant.
Genome position (GRCh38, 1-based): chr7:92,002,865, T>C. VCF-style: chr7-92002865-T-C. GRCh37 (hg19) VCF-style: chr7-91632179-T-C.
Other names: c.2948T>C, p.Leu983Ser (NM_147185.3); short protein forms L983S.
Identifiers: ClinVar variation 1797993 (VCV001797993.2), dbSNP rs2484695597, ClinGen allele CA368125292.

ClinVar aggregate classification (germline): Uncertain significance (1 of 4 stars; one submission).

Conditions:
Cardiovascular phenotype. Identifiers: MedGen CN230736.

Submission:

Ambry Genetics
Classification: Uncertain significance for Cardiovascular phenotype. Last evaluated: 2021-07-12. Review status: criteria provided, single submitter. Criteria: Ambry Variant Classification Scheme 2023. Collection method: clinical testing. Allele origin: germline.
Comment: The p.L983S variant (also known as c.2948T>C), located in coding exon 8 of the AKAP9 gene, results from a T to C substitution at nucleotide position 2948. The leucine at codon 983 is replaced by serine, an amino acid with dissimilar properties. This amino acid position is conserved. In addition, this alteration is predicted to be tolerated by in silico analysis. Since supporting evidence is limited at this time, the clinical significance of this alteration remains unclear.